The following is an entry in ClinVar:

NM_014425.5(INVS):c.1606C>T (p.Arg536Cys)

Gene: INVS (inversin; plus strand). Cytogenetic location: 9q31.1.
Variant type: single nucleotide variant.
Coding change: c.1606C>T on transcript NM_014425.5 (MANE Select); coding-DNA position 1606, C replaced by T.
Protein change: p.Arg536Cys; replaces arginine 536 with cysteine.
Molecular consequence: missense variant. On other transcripts: non-coding transcript variant (1).
Genome position (GRCh38, 1-based): chr9:100,272,898, C>T. VCF-style: chr9-100272898-C-T. GRCh37 (hg19) VCF-style: chr9-103035180-C-T.
Other names: c.1606C>T (NM_014425.2); c.1318C>T, p.Arg440Cys (NM_001318381.2); c.628C>T, p.Arg210Cys (NM_001318382.2); short protein forms R440C, R536C, R210C.
Identifiers: ClinVar variation 853537 (VCV000853537.8), dbSNP rs1228736160, ClinGen allele CA374238237.
Genomic context (GRCh38, chr9:100,272,898, plus strand): 5'-AAAAAGAAATCTTCCTCCCACTTCAGATACACACCCCTTGATTATGCTTTGCTTGGTGAG[C>T]GCCATGAAGTGATCCAGTTCATGTTGGAGCACGGTGCCCTGTCCATCGCAGCCATACAAG-3'
Protein context (NP_055240.2, residues 526-546): TPLDYALLGE[Arg536Cys]HEVIQFMLEH

ClinVar aggregate classification (germline): Uncertain significance. Review status: criteria provided, multiple submitters, no conflicts (2 of 4 stars). 2 submissions from 2 submitters: Uncertain significance (2). Last evaluated 2025-10-29.

Conditions:
Inborn genetic diseases. Identifiers: MedGen C0950123, MeSH D030342.
Nephronophthisis. Also called: Juvenile Nephronophthisis. Identifiers: Orphanet 655, MedGen C0687120, MONDO:0019005, HP:0000090.

Allele frequency attached by ClinVar (database versions not stated): gnomAD exomes below 0.00001 and 0.00002; gnomAD 0.00001; TOPMed 0.00001.
gnomAD v4.1: 31 of 1,613,922 alleles (0.0019%); highest among the groups gnomAD compares: East Asian, 0.0089%; no homozygotes.

Submissions (2):

Ambry Genetics
Classification: Uncertain significance for Inborn genetic diseases. Last evaluated: 2025-10-29. Review status: criteria provided, single submitter. Criteria: Ambry Variant Classification Scheme 2023. Collection method: clinical testing. Allele origin: germline.

Labcorp Genetics (formerly Invitae), Labcorp
Classification: Uncertain significance for Nephronophthisis. Last evaluated: 2022-03-10. Review status: criteria provided, single submitter. Criteria: Invitae Variant Classification Sherloc (09022015). Collection method: clinical testing. Allele origin: germline.
Comment: This sequence change replaces arginine, which is basic and polar, with cysteine, which is neutral and slightly polar, at codon 536 of the INVS protein (p.Arg536Cys). This variant is present in population databases (no rsID available, gnomAD 0.005%). This variant has not been reported in the literature in individuals affected with INVS-related conditions. ClinVar contains an entry for this variant (Variation ID: 853537). Algorithms developed to predict the effect of missense changes on protein structure and function (SIFT, PolyPhen-2, Align-GVGD) all suggest that this variant is likely to be disruptive. In summary, the available evidence is currently insufficient to determine the role of this variant in disease. Therefore, it has been classified as a Variant of Uncertain Significance.